The following is an entry in ClinVar:

ClinVar aggregate classification (germline): Uncertain significance. Review status: criteria provided, multiple submitters, no conflicts (2 of 4 stars). 3 submissions from 3 submitters: Uncertain significance (3). Last evaluated 2025-01-20.

Conditions:
Hereditary cancer-predisposing syndrome. Also called: Hereditary neoplastic syndrome; Tumor predisposition; Neoplastic Syndromes, Hereditary; Hereditary Cancer Syndrome. Identifiers: Orphanet 140162, MedGen C0027672, MeSH D009386, MONDO:0015356.
Neuroblastoma, susceptibility to, 3. Also called: ALK-Related Neuroblastic Tumor Susceptibility. Identifiers: Orphanet 635, MedGen C2751681, MONDO:0013083, OMIM 613014.

Allele frequency attached by ClinVar (database versions not stated): TOPMed below 0.00001.

Submissions (3):

Ambry Genetics
Classification: Uncertain significance for Hereditary cancer-predisposing syndrome. Last evaluated: 2025-01-20. Review status: criteria provided, single submitter. Criteria: Ambry Variant Classification Scheme 2023. Collection method: clinical testing. Allele origin: germline.

Labcorp Genetics (formerly Invitae), Labcorp
Classification: Uncertain significance for Neuroblastoma, susceptibility to, 3. Last evaluated: 2024-06-24. Review status: criteria provided, single submitter. Criteria: Invitae Variant Classification Sherloc (09022015). Collection method: clinical testing. Allele origin: germline.
Comment: This sequence change replaces leucine, which is neutral and non-polar, with tryptophan, which is neutral and slightly polar, at codon 560 of the ALK protein (p.Leu560Trp). This variant is not present in population databases (gnomAD no frequency). This variant has not been reported in the literature in individuals affected with ALK-related conditions. ClinVar contains an entry for this variant (Variation ID: 2447094). An algorithm developed to predict the effect of missense changes on protein structure and function (PolyPhen-2) suggests that this variant is likely to be disruptive. In summary, the available evidence is currently insufficient to determine the role of this variant in disease. Therefore, it has been classified as a Variant of Uncertain Significance.

GeneDx
Classification: Uncertain significance. Last evaluated: 2024-02-21. Review status: criteria provided, single submitter. Criteria: GeneDx Variant Classification Process June 2021. Collection method: clinical testing. Allele origin: germline. Affected: yes.
Comment: Not observed at significant frequency in large population cohorts (gnomAD); In silico analysis supports that this missense variant does not alter protein structure/function; Has not been previously published as pathogenic or benign to our knowledge

NM_004304.5(ALK):c.1679T>G (p.Leu560Trp)

Gene: ALK (ALK receptor tyrosine kinase; minus strand). Cytogenetic location: 2p23.2.
Variant type: single nucleotide variant.
Coding change: c.1679T>G on transcript NM_004304.5 (MANE Select); coding-DNA position 1679, T replaced by G.
Protein change: p.Leu560Trp; replaces leucine 560 with tryptophan.
Molecular consequence: missense variant.
Genome position (GRCh38, 1-based): chr2:29,297,026, A>C on the plus strand (T>G on the coding strand, the complement: ALK is on the minus strand). VCF-style: chr2-29297026-A-C. GRCh37 (hg19) VCF-style: chr2-29519892-A-C.
Other names: short protein forms L560W.
Identifiers: ClinVar variation 2447094 (VCV002447094.7), dbSNP rs1666207481, ClinGen allele CA346466591.